The following is an entry in ClinVar:

ClinVar aggregate classification (germline): Likely benign. Review status: criteria provided, multiple submitters, no conflicts (2 of 4 stars). 4 submissions from 4 submitters: Likely benign (3). 1 of the submissions does not count toward it. Last evaluated 2026-08-01.

Conditions:
PIEZO1-related disorder. Also called: PIEZO1-related condition; PIEZO1-Related Disorders.

Allele frequency attached by ClinVar (database versions not stated): gnomAD 0.00016 and 0.00018; gnomAD exomes 0.00022; ExAC 0.00025; TOPMed 0.00025.
gnomAD v4.1: 541 of 1,550,156 alleles (0.035%); highest among the groups gnomAD compares: Non-Finnish European, 0.045%; 1 homozygote.

Submissions (4):

CeGaT Center for Human Genetics Tuebingen
Classification: Likely benign. Last evaluated: 2026-08-01. Review status: criteria provided, single submitter. Criteria: CeGaT Center For Human Genetics Tuebingen Variant Classification Criteria Version 2. Collection method: clinical testing. Allele origin: germline. Affected: yes. Observed: 1 variant allele.
Comment: PIEZO1: BP4, BP7

Labcorp Genetics (formerly Invitae), Labcorp
Classification: Likely benign. Last evaluated: 2026-01-06. Review status: criteria provided, single submitter. Criteria: Invitae Variant Classification Sherloc (09022015). Collection method: clinical testing. Allele origin: germline.

Blueprint Genetics
Classification: Likely benign. Last evaluated: 2024-09-10. Review status: criteria provided, single submitter. Criteria: ACMG Guidelines, 2015. Collection method: clinical testing. Allele origin: germline.

PreventionGenetics, part of Exact Sciences
Classification: Likely benign for PIEZO1-related condition. Last evaluated: 2021-02-16. Review status: no assertion criteria provided. Collection method: clinical testing. Allele origin: germline. Not counted in ClinVar's aggregate classification.
Comment: This variant is classified as likely benign based on ACMG/AMP sequence variant interpretation guidelines (Richards et al. 2015 PMID: 25741868, with internal and published modifications).

NM_001142864.4(PIEZO1):c.7353C>T (p.Ile2451=)

Gene: PIEZO1 (piezo type mechanosensitive ion channel component 1 (Er blood group); minus strand). Cytogenetic location: 16q24.3.
Variant type: single nucleotide variant.
Coding change: c.7353C>T on transcript NM_001142864.4 (MANE Select); coding-DNA position 7353, C replaced by T.
Protein change: p.Ile2451=; no amino-acid change (isoleucine 2451 retained).
Molecular consequence: synonymous variant.
Genome position (GRCh38, 1-based): chr16:88,715,818, G>A on the plus strand (C>T on the coding strand, the complement: PIEZO1 is on the minus strand). VCF-style: chr16-88715818-G-A. GRCh37 (hg19) VCF-style: chr16-88782226-G-A.
Identifiers: ClinVar variation 739465 (VCV000739465.12), dbSNP rs762374984, ClinGen allele CA8231339.